The following is an entry in ClinVar:

ClinVar aggregate classification (germline): Conflicting classifications of pathogenicity. Review status: criteria provided, conflicting classifications (1 of 4 stars). 4 submissions from 4 submitters: Uncertain significance (2); Likely benign (2). Last evaluated 2025-08-22.

Conditions:
Inborn genetic diseases. Identifiers: MedGen C0950123, MeSH D030342.
Neonatal-onset encephalopathy with rigidity and seizures. Also called: Lethal neonatal spasticity-epileptic encephalopathy syndrome. Identifiers: Orphanet 435845, MedGen C3281029, MONDO:0013784, OMIM 614498.

Allele frequency attached by ClinVar (database versions not stated): 1000 Genomes Project 0.00040; 1000 Genomes Project 30x 0.00047; gnomAD 0.00005 and 0.00008; TOPMed 0.00005; ESP Exome Variant Server 0.00008; gnomAD exomes 0.00009 and 0.00018; ExAC 0.00014.
gnomAD v4.1: 143 of 1,612,800 alleles (0.0089%); highest among the groups gnomAD compares: South Asian, 0.092%; no homozygotes.

Submissions (4):

Labcorp Genetics (formerly Invitae), Labcorp
Classification: Likely benign for Neonatal-onset encephalopathy with rigidity and seizures. Last evaluated: 2025-08-22. Review status: criteria provided, single submitter. Criteria: Invitae Variant Classification Sherloc (09022015). Collection method: clinical testing. Allele origin: germline.

Ambry Genetics
Classification: Likely benign for Inborn genetic diseases. Last evaluated: 2025-04-14. Review status: criteria provided, single submitter. Criteria: Ambry Variant Classification Scheme 2023. Collection method: clinical testing. Allele origin: germline.

GeneDx
Classification: Uncertain significance. Last evaluated: 2022-07-29. Review status: criteria provided, single submitter. Criteria: GeneDx Variant Classification Process June 2021. Collection method: clinical testing. Allele origin: germline. Affected: yes.
Comment: In silico analysis supports that this missense variant does not alter protein structure/function; Has not been previously published as pathogenic or benign to our knowledge

Athena Diagnostics
Classification: Uncertain significance. Last evaluated: 2017-09-01. Review status: criteria provided, single submitter. Criteria: Athena Diagnostics Criteria. Collection method: clinical testing. Allele origin: germline.

NM_152743.4(BRAT1):c.578C>T (p.Ala193Val)

Gene: BRAT1 (BRCA1 associated ATM activator 1; minus strand). Cytogenetic location: 7p22.3.
Variant type: single nucleotide variant.
Coding change: c.578C>T on transcript NM_152743.4 (MANE Select); coding-DNA position 578, C replaced by T.
Protein change: p.Ala193Val; replaces alanine 193 with valine.
Molecular consequence: missense variant. On other transcripts: non-coding transcript variant (1).
Genome position (GRCh38, 1-based): chr7:2,543,815, G>A on the plus strand (C>T on the coding strand, the complement: BRAT1 is on the minus strand). VCF-style: chr7-2543815-G-A. GRCh37 (hg19) VCF-style: chr7-2583449-G-A.
Other names: c.578C>T, p.Ala193Val (NM_001350626.2); c.53C>T, p.Ala18Val (NM_001350627.2); short protein forms A193V, A18V.
Identifiers: ClinVar variation 585491 (VCV000585491.11), dbSNP rs144841598, ClinGen allele CA4128154.
Genomic context (GRCh38, chr7:2,543,815, plus strand): 5'-TTGGGGGTGGCCGCGGAGCACAAGGACTCTTCAACGTGATCCATGATCTTCTGGGCACAC[G>A]CGGGCCAGTCACCCCCCGGCAGGCAGGGCTGCCCCTCGGCTCCACCTCGCATGGACAAAG-3'
Protein context (NP_689956.2, residues 183-203): QPCLPGGDWP[Ala193Val]CAQKIMDHVE